The following is an entry in ClinVar:

ClinVar aggregate classification (germline): Pathogenic/Likely pathogenic. Review status: criteria provided, multiple submitters, no conflicts (2 of 4 stars). 4 submissions from 4 submitters: Pathogenic (1); Likely pathogenic (3). Last evaluated 2025-05-01.

Conditions:
Cardiomyopathy (CMYO). Also called: Cardiomyopathies. Identifiers: Orphanet 167848, MedGen C0878544, MONDO:0004994, HP:0001638. Inheritance: Various modes of inheritance.
Hypertrophic cardiomyopathy 4. Also called: Familial hypertrophic cardiomyopathy 4. Identifiers: MedGen C1861862, MONDO:0007268, OMIM 115197.
Hypertrophic cardiomyopathy. Also called: HYPERTROPHIC MYOCARDIOPATHY. Identifiers: Orphanet 217569, MedGen C0007194, MeSH D002312, MONDO:0005045, HP:0001639.

Submissions (4):

Labcorp Genetics (formerly Invitae), Labcorp
Classification: Likely pathogenic for Hypertrophic cardiomyopathy. Last evaluated: 2025-05-01. Review status: criteria provided, single submitter. Criteria: Invitae Variant Classification Sherloc (09022015). Collection method: clinical testing. Allele origin: germline.
Comment: This sequence change affects an acceptor splice site in intron 3 of the MYBPC3 gene. It is expected to disrupt RNA splicing. Variants that disrupt the donor or acceptor splice site typically lead to a loss of protein function (PMID: 16199547), and loss-of-function variants in MYBPC3 are known to be pathogenic (PMID: 19574547). This variant is not present in population databases (gnomAD no frequency). This variant has not been reported in the literature in individuals affected with MYBPC3-related conditions. ClinVar contains an entry for this variant (Variation ID: 2971865). Algorithms developed to predict the effect of sequence changes on RNA splicing suggest that this variant may disrupt the consensus splice site. In summary, the currently available evidence indicates that the variant is pathogenic, but additional data are needed to prove that conclusively. Therefore, this variant has been classified as Likely Pathogenic.

All of Us Research Program, National Institutes of Health
Classification: Likely pathogenic for Hypertrophic cardiomyopathy. Last evaluated: 2024-08-13. Review status: criteria provided, single submitter. Criteria: ACMG Guidelines, 2015. Collection method: clinical testing. Allele origin: germline. Inheritance: Autosomal dominant inheritance. Observed: 1 variant allele, 1 heterozygote.
Comment: This variant causes an A>G nucleotide substitution at the -2 position of intron 3 of the MYBPC3 gene. Splice site prediction tools suggest that this variant may have a significant impact on RNA splicing. Although this prediction has not been confirmed in published RNA studies, this variant is expected to result in an absent or disrupted protein product. This variant has not been reported in individuals affected with MYBPC3-related disorders in the literature. This variant has not been identified in the general population by the Genome Aggregation Database (gnomAD). Based on the available evidence, this variant is classified as Likely Pathogenic.

This study involves interpretation of variants in research participants for the purpose of population health screening. Participant phenotype was not available at the time of variant classification. Additional details can be found in publication PMID: 35346344, PMCID: PMC8962531

Color Diagnostics, LLC DBA Color Health
Classification: Likely pathogenic for Cardiomyopathy. Last evaluated: 2024-06-19. Review status: criteria provided, single submitter. Criteria: ACMG Guidelines, 2015. Collection method: clinical testing. Allele origin: germline.
Comment: This variant causes an A>G nucleotide substitution at the -2 position of intron 3 of the MYBPC3 gene. Splice site prediction tools suggest that this variant may have a significant impact on RNA splicing. Although this prediction has not been confirmed in published RNA studies, this variant is expected to result in an absent or disrupted protein product. This variant has not been reported in individuals affected with MYBPC3-related disorders in the literature. This variant has not been identified in the general population by the Genome Aggregation Database (gnomAD). Based on the available evidence, this variant is classified as Likely Pathogenic.

3billion
Classification: Pathogenic for Hypertrophic cardiomyopathy 4. Last evaluated: 2024-06-17. Review status: criteria provided, single submitter. Criteria: ACMG Guidelines, 2015. Collection method: clinical testing. Allele origin: germline. Affected: yes.
Comment: The variant is not observed in the gnomAD v4.0.0 dataset. Predicted Consequence/Location: Canonical splice site: predicted to alter splicing and result in a loss or disruption of normal protein function. Multiple pathogenic loss-of-function variants are reported downstream of the variant. In silico tools predict the variant to alter splicing and produce an abnormal transcript [SpliceAI: 0.98 (spliceogenicity >=0.2, non-spliceogenicity <0.1)]. The variant has been reported to be associated with MYBPC3 related disorder (ClinVar ID: VCV002971865). Therefore, this variant is classified as Pathogenic according to the recommendation of ACMG/AMP guideline.

Literature cited by the submitters: PubMed 16199547 (cited by Labcorp Genetics (formerly Invitae), Labcorp); PubMed 19574547 (cited by Labcorp Genetics (formerly Invitae), Labcorp).

NM_000256.3(MYBPC3):c.407-2A>G

Gene: MYBPC3 (myosin binding protein C3; minus strand). Cytogenetic location: 11p11.2.
Variant type: single nucleotide variant.
Coding change: c.407-2A>G on transcript NM_000256.3 (MANE Select); the canonical splice acceptor site of the intron before coding-DNA position 407, A replaced by G.
Molecular consequence: splice acceptor variant.
Genome position (GRCh38, 1-based): chr11:47,350,114, T>C on the plus strand (A>G on the coding strand, the complement: MYBPC3 is on the minus strand). VCF-style: chr11-47350114-T-C. GRCh37 (hg19) VCF-style: chr11-47371665-T-C.
Identifiers: ClinVar variation 2971865 (VCV002971865.6), dbSNP rs2495782142, ClinGen allele CA380339156.
Genomic context (GRCh38, chr11:47,350,114, plus strand): 5'-GCCAATGGGGTCATCGGGGGCTCCAGGGGTAGGACCATTGAGAGCTGCTGAGCTTGACCC[T>C]GTGAGCAAAGGCTTTTTCTGTTTGTTTGAGATGGAGTCTTGCTCTGTCACCCAGGCTGGA-3'